The following is an entry in ClinVar:

ClinVar aggregate classification (germline): Uncertain significance (1 of 4 stars; one submission).

Allele frequency attached by ClinVar (database versions not stated): gnomAD exomes below 0.00001; TOPMed below 0.00001.
gnomAD v4.1: 2 of 1,614,220 alleles (0.00012%); highest among the groups gnomAD compares: Non-Finnish European, 0.00017%; no homozygotes.

Submission:

Labcorp Genetics (formerly Invitae), Labcorp
Classification: Uncertain significance. Last evaluated: 2022-03-16. Review status: criteria provided, single submitter. Criteria: Invitae Variant Classification Sherloc (09022015). Collection method: clinical testing. Allele origin: germline.
Comment: In summary, the available evidence is currently insufficient to determine the role of this variant in disease. Therefore, it has been classified as a Variant of Uncertain Significance. Algorithms developed to predict the effect of missense changes on protein structure and function are either unavailable or do not agree on the potential impact of this missense change (SIFT: "Deleterious"; PolyPhen-2: "Probably Damaging"; Align-GVGD: "Class C0"). This variant has not been reported in the literature in individuals affected with LTBP2-related conditions. This variant is present in population databases (no rsID available, gnomAD 0.0009%). This sequence change replaces cysteine, which is neutral and slightly polar, with tyrosine, which is neutral and polar, at codon 364 of the LTBP2 protein (p.Cys364Tyr).

NM_000428.3(LTBP2):c.1091G>A (p.Cys364Tyr)

Gene: LTBP2 (latent transforming growth factor beta binding protein 2; minus strand). Cytogenetic location: 14q24.3.
Variant type: single nucleotide variant.
Coding change: c.1091G>A on transcript NM_000428.3 (MANE Select); coding-DNA position 1091, G replaced by A.
Protein change: p.Cys364Tyr; replaces cysteine 364 with tyrosine.
Molecular consequence: missense variant.
Genome position (GRCh38, 1-based): chr14:74,552,993, C>T on the plus strand (G>A on the coding strand, the complement: LTBP2 is on the minus strand). VCF-style: chr14-74552993-C-T. GRCh37 (hg19) VCF-style: chr14-75019696-C-T.
Other names: short protein forms C364Y.
Identifiers: ClinVar variation 2112847 (VCV002112847.4), dbSNP rs1334150649, ClinGen allele CA390401542.